The following is an entry in ClinVar:

ClinVar aggregate classification (germline): Conflicting classifications of pathogenicity. Review status: criteria provided, conflicting classifications (1 of 4 stars). 2 submissions from 2 submitters: Likely pathogenic (1); Uncertain significance (1). Last evaluated 2026-01-22.

Submissions (2):

Labcorp Genetics (formerly Invitae), Labcorp
Classification: Likely pathogenic. Last evaluated: 2026-01-22. Review status: criteria provided, single submitter. Criteria: Invitae Variant Classification Sherloc (09022015). Collection method: clinical testing. Allele origin: germline.
Comment: This sequence change replaces arginine, which is basic and polar, with tryptophan, which is neutral and slightly polar, at codon 1547 of the CNOT1 protein (p.Arg1547Trp). This variant is not present in population databases (gnomAD no frequency). This missense change has been observed in individual(s) with clinical features of neurodevelopmental disorder (internal data). In at least one individual the variant was observed to be de novo. ClinVar contains an entry for this variant (Variation ID: 2688798). An algorithm developed to predict the effect of missense changes on protein structure and function (PolyPhen-2) suggests that this variant is likely to be disruptive. In summary, the currently available evidence indicates that the variant is pathogenic, but additional data are needed to prove that conclusively. Therefore, this variant has been classified as Likely Pathogenic.

Revvity Omics, Revvity
Classification: Uncertain significance. Last evaluated: 2023-07-19. Review status: criteria provided, single submitter. Criteria: ACMG Guidelines, 2015. Collection method: clinical testing. Allele origin: germline.

NM_016284.5(CNOT1):c.4654C>T (p.Arg1552Trp)

Gene: CNOT1 (CCR4-NOT transcription complex subunit 1; minus strand). Cytogenetic location: 16q21.
Variant type: single nucleotide variant.
Coding change: c.4654C>T on transcript NM_016284.5 (MANE Select); coding-DNA position 4654, C replaced by T.
Protein change: p.Arg1552Trp; replaces arginine 1552 with tryptophan.
Molecular consequence: missense variant. On other transcripts: non-coding transcript variant (1).
Genome position (GRCh38, 1-based): chr16:58,542,257, G>A on the plus strand (C>T on the coding strand, the complement: CNOT1 is on the minus strand). VCF-style: chr16-58542257-G-A. GRCh37 (hg19) VCF-style: chr16-58576161-G-A.
Other names: c.4639C>T, p.Arg1547Trp (NM_001265612.2); short protein forms R1547W, R1552W.
Identifiers: ClinVar variation 2688798 (VCV002688798.3), dbSNP rs2040115763, ClinGen allele CA396168523.